The following is an entry in ClinVar:

ClinVar aggregate classification (germline): Likely benign (1 of 4 stars; one submission).

Allele frequency attached by ClinVar (database versions not stated): 1000 Genomes Project 0.00080; 1000 Genomes Project 30x 0.00109; ESP Exome Variant Server 0.00154.
gnomAD v4.1: 3,694 of 1,613,844 alleles (0.23%); highest among the groups gnomAD compares: Non-Finnish European, 0.29%; 11 homozygotes.

Submission:

CeGaT Center for Human Genetics Tuebingen
Classification: Likely benign. Last evaluated: 2022-03-01. Review status: criteria provided, single submitter. Criteria: CeGaT Center For Human Genetics Tuebingen Variant Classification Criteria Version 2. Collection method: clinical testing. Allele origin: germline. Affected: yes. Observed: 1 variant allele.
Comment: SNX29: BP4, BP7

NM_032167.5(SNX29):c.711C>T (p.Thr237=)

Gene: SNX29 (sorting nexin 29; plus strand). Cytogenetic location: 16p13.13.
Variant type: single nucleotide variant.
Coding change: c.711C>T on transcript NM_032167.5 (MANE Select); coding-DNA position 711, C replaced by T.
Protein change: p.Thr237=; no amino-acid change (threonine 237 retained).
Molecular consequence: synonymous variant.
Genome position (GRCh38, 1-based): chr16:12,048,583, C>T. VCF-style: chr16-12048583-C-T. GRCh37 (hg19) VCF-style: chr16-12142440-C-T.
Other names: c.711C>T, p.Thr237= (NM_001376490.1).
Identifiers: ClinVar variation 2646234 (VCV002646234.24), dbSNP rs147618832, ClinGen allele CA7908418.